The following is an entry in ClinVar:

NM_002691.4(POLD1):c.1444del (p.Leu482fs)

Gene: POLD1 (DNA polymerase delta 1, catalytic subunit; plus strand). Cytogenetic location: 19q13.33.
Variant type: Deletion.
Coding change: c.1444del on transcript NM_002691.4 (MANE Select); coding-DNA position 1444, one base deleted (C; older notation c.1444delC).
Protein change: p.Leu482fs; shifts the reading frame from leucine 482.
Molecular consequence: frameshift variant. On other transcripts: non-coding transcript variant (1).
Genome position (GRCh38, 1-based): chr19:50,406,467, C deleted; the last of 2 consecutive C bases (chr19:50,406,466-50,406,467); deleting either gives the same sequence. VCF-style (leftmost placement, unchanged base first): chr19-50406465-TC-T. GRCh37 (hg19) VCF-style: chr19-50909722-TC-T.
Other names: c.1444del, p.Leu482fs (NM_001256849.1, NM_001308632.1); short protein forms L482fs.
Identifiers: ClinVar variation 3781358 (VCV003781358.1).

ClinVar aggregate classification (germline): Uncertain significance (1 of 4 stars; one submission).

Conditions:
Hereditary cancer-predisposing syndrome. Also called: Neoplastic Syndromes, Hereditary; Hereditary Cancer Syndrome; Tumor predisposition; Hereditary neoplastic syndrome. Identifiers: Orphanet 140162, MedGen C0027672, MeSH D009386, MONDO:0015356.

Submission:

Ambry Genetics
Classification: Uncertain significance for Hereditary cancer-predisposing syndrome. Last evaluated: 2025-02-05. Review status: criteria provided, single submitter. Criteria: Ambry Variant Classification Scheme 2023. Collection method: clinical testing. Allele origin: germline.
Comment: The c.1444delC variant, located in coding exon 11 of the POLD1 gene, results from a deletion of one nucleotide at nucleotide position 1444, causing a translational frameshift with a predicted alternate stop codon (p.L482Wfs*32). This alteration is expected to result in protein truncation or nonsense-mediated mRNA decay. However, loss of function of POLD1 has not been established as a mechanism of disease. Based on the available evidence, the clinical significance of this alteration remains unclear.